The following is an entry in ClinVar:

NM_004714.3(DYRK1B):c.119C>T (p.Ala40Val)

Gene: DYRK1B (dual specificity tyrosine phosphorylation regulated kinase 1B; minus strand). Cytogenetic location: 19q13.2.
Variant type: single nucleotide variant.
Coding change: c.119C>T on transcript NM_004714.3 (MANE Select); coding-DNA position 119, C replaced by T.
Protein change: p.Ala40Val; replaces alanine 40 with valine.
Molecular consequence: missense variant.
Genome position (GRCh38, 1-based): chr19:39,830,728, G>A on the plus strand (C>T on the coding strand, the complement: DYRK1B is on the minus strand). VCF-style: chr19-39830728-G-A. GRCh37 (hg19) VCF-style: chr19-40321368-G-A.
Other names: c.119C>T, p.Ala40Val (NM_006483.3, NM_006484.3); short protein forms A40V.
Identifiers: ClinVar variation 3345708 (VCV003345708.1).

ClinVar aggregate classification (germline): Uncertain significance (0 of 4 stars; one submission).

Conditions:
DYRK1B-related disorder. Also called: DYRK1B-related condition.

Submission:

PreventionGenetics, part of Exact Sciences
Classification: Uncertain significance for DYRK1B-related condition. Last evaluated: 2024-04-18. Review status: no assertion criteria provided. Collection method: clinical testing. Allele origin: germline.
Comment: The DYRK1B c.119C>T variant is predicted to result in the amino acid substitution p.Ala40Val. To our knowledge, this variant has not been reported in the literature or in a large population database, indicating this variant is rare. At this time, the clinical significance of this variant is uncertain due to the absence of conclusive functional and genetic evidence.